The following is an entry in ClinVar:

ClinVar aggregate classification (germline): Likely pathogenic (1 of 4 stars; one submission).

Submission:

CeGaT Center for Human Genetics Tuebingen
Classification: Likely pathogenic. Last evaluated: 2023-09-01. Review status: criteria provided, single submitter. Criteria: CeGaT Center For Human Genetics Tuebingen Variant Classification Criteria Version 2. Collection method: clinical testing. Allele origin: germline. Affected: yes. Observed: 1 variant allele.
Comment: DSP: PVS1:Strong, PM2

NM_004415.4(DSP):c.8229del (p.Arg2744fs)

Gene: DSP (desmoplakin; plus strand). Cytogenetic location: 6p24.3.
Variant type: Deletion.
Coding change: c.8229del on transcript NM_004415.4 (MANE Select); coding-DNA position 8229, one base deleted (G; older notation c.8229delG).
Protein change: p.Arg2744fs; shifts the reading frame from arginine 2744.
Molecular consequence: frameshift variant.
Genome position (GRCh38, 1-based): chr6:7,585,491, G deleted; the last of 3 consecutive G bases (chr6:7,585,489-7,585,491); deleting any one gives the same sequence. VCF-style (leftmost placement, unchanged base first): chr6-7585488-TG-T. GRCh37 (hg19) VCF-style: chr6-7585721-TG-T.
Other names: c.6432del, p.Arg2145fs (NM_001008844.3); c.6900del, p.Arg2301fs (NM_001319034.2); short protein forms R2145fs, R2301fs, R2744fs.
Identifiers: ClinVar variation 2583033 (VCV002583033.25), dbSNP rs2533950351, ClinGen allele CA2582341643.